The following is an entry in ClinVar:

NM_001267550.2(TTN):c.64001A>G (p.Asn21334Ser)

Genes: TTN (titin; minus strand), TTN-AS1 (TTN antisense RNA 1; plus strand). Cytogenetic location: 2q31.2.
Variant type: single nucleotide variant.
Coding change: c.64001A>G on transcript NM_001267550.2 (MANE Select); coding-DNA position 64001, A replaced by G.
Protein change: p.Asn21334Ser; replaces asparagine 21334 with serine.
Molecular consequence: missense variant.
Genome position (GRCh38, 1-based): chr2:178,587,210, T>C on the plus strand (A>G on the coding strand, the complement: TTN is on the minus strand). VCF-style: chr2-178587210-T-C. GRCh37 (hg19) VCF-style: chr2-179451937-T-C.
Other names: c.59078A>G, p.Asn19693Ser (NM_001256850.1); c.36806A>G, p.Asn12269Ser (NM_003319.4); c.56297A>G, p.Asn18766Ser (NM_133378.4); c.37181A>G, p.Asn12394Ser (NM_133432.3); c.37382A>G, p.Asn12461Ser (NM_133437.4); short protein forms N21334S, N19693S, N12269S, N12394S, N12461S, N18766S.
Identifiers: ClinVar variation 238823 (VCV000238823.5), dbSNP rs753121509, ClinGen allele CA1991986.

ClinVar aggregate classification (germline): Uncertain significance. Review status: criteria provided, multiple submitters, no conflicts (2 of 4 stars). 4 submissions from 4 submitters: Uncertain significance (4). Last evaluated 2025-12-04.

Conditions:
Autosomal recessive limb-girdle muscular dystrophy type 2J (LGMDR10). Also called: MUSCULAR DYSTROPHY, LIMB-GIRDLE, AUTOSOMAL RECESSIVE 10; Limb-girdle muscular dystrophy, type 2J. Identifiers: Orphanet 140922, MedGen C1837342, MONDO:0012127, OMIM 608807.
Dilated cardiomyopathy 1G (CMD1G). Identifiers: Orphanet 154, MedGen C1858763, MONDO:0011400, OMIM 604145.
TTN-related disorder. Also called: TTN-related condition; TTN-related disease; TTN-related disorders.
Hypertrophic cardiomyopathy 9. Also called: Familial hypertrophic cardiomyopathy 9. Identifiers: MedGen C1861065, MONDO:0013412, OMIM 613765.
Early-onset myopathy with fatal cardiomyopathy (CMYO5). Also called: CONGENITAL MYOPATHY 5 WITH CARDIOMYOPATHY; Salih Myopathy. Identifiers: Orphanet 289377, MedGen C2673677, MONDO:0012714, OMIM 611705. Disease mechanism: loss of function.
Myopathy, myofibrillar, 9, with early respiratory failure (MFM9). Also called: Myopathy, distal, with early respiratory failure, autosomal dominant; EDSTROM MYOPATHY; MYOPATHY, PROXIMAL, WITH EARLY RESPIRATORY MUSCLE INVOLVEMENT; Hereditary myopathy with early respiratory failure. Identifiers: Orphanet 178464, Orphanet 34521, MedGen C1863599, MONDO:0011362, OMIM 603689.
Tibial muscular dystrophy (TMD). Also called: Tibial muscular dystrophy, tardive; UDD MYOPATHY; Udd Distal Myopathy – Tibial Muscular Dystrophy. Identifiers: Orphanet 609, MedGen C1838244, MONDO:0010870, OMIM 600334.

Allele frequency attached by ClinVar (database versions not stated): gnomAD exomes below 0.00001 and 0.00003; ExAC 0.00001; gnomAD 0.00001; TOPMed 0.00001.
gnomAD v4.1: 39 of 1,613,148 alleles (0.0024%); highest among the groups gnomAD compares: African/African-American, 0.004%; no homozygotes.

Submissions (4):

PreventionGenetics, part of Exact Sciences
Classification: Uncertain significance for TTN-related condition. Last evaluated: 2025-12-04. Review status: criteria provided, single submitter. Criteria: ACMG Guidelines, 2015. Collection method: clinical testing. Allele origin: germline.
Comment: The TTN c.64001A>G variant is predicted to result in the amino acid substitution p.Asn21334Ser. To our knowledge, this variant has not been reported in the literature. This variant is reported in 0.0065% of alleles in individuals of African descent in gnomAD. At this time, the clinical significance of this variant is uncertain due to the absence of conclusive functional and genetic evidence.

Women's Health and Genetics/Laboratory Corporation of America, LabCorp
Classification: Uncertain significance. Last evaluated: 2023-05-22. Review status: criteria provided, single submitter. Criteria: LabCorp Variant Classification Summary - May 2015. Collection method: clinical testing. Allele origin: germline.

Fulgent Genetics
Classification: Uncertain significance for Tibial muscular dystrophy; Myopathy, myofibrillar, 9, with early respiratory failure; Dilated cardiomyopathy 1G; Autosomal recessive limb-girdle muscular dystrophy type 2J; Early-onset myopathy with fatal cardiomyopathy; Hypertrophic cardiomyopathy 9. Last evaluated: 2021-11-11. Review status: criteria provided, single submitter. Criteria: ACMG Guidelines, 2015. Collection method: clinical testing. Allele origin: unknown.

Labcorp Genetics (formerly Invitae), Labcorp
Classification: Uncertain significance for Dilated cardiomyopathy 1G; Autosomal recessive limb-girdle muscular dystrophy type 2J. Last evaluated: 2016-02-07. Review status: criteria provided, single submitter. Criteria: Invitae Variant Classification Sherloc (09022015). Collection method: clinical testing. Allele origin: germline.
Comment: This sequence change replaces asparagine with serine at codon 21334 of the TTN protein (p.Asn21334Ser). The asparagine residue is weakly conserved and there is a small physicochemical difference between asparagine and serine. This variant is present in population databases (rs753121509, ExAC 0.01%) but has not been reported in the literature in individuals with a TTN-related disease. The serine amino acid residue is found in multiple mammalian species, suggesting that this missense change does not adversely affect protein function. However, algorithms developed to predict the effect of nucleotide changes on mRNA splicing suggest that this missense variant may alter mRNA splicing, but this prediction has not been confirmed by published transcriptional studies. In summary, this is a rare missense change with uncertain impact on splicing. It has been classified as a Variant of Uncertain Significance.